The following is an entry in ClinVar:

NM_002474.3(MYH11):c.5336C>G (p.Thr1779Arg)

Genes: NDE1 (nudE neurodevelopment protein 1; plus strand), MYH11 (myosin heavy chain 11; minus strand). Cytogenetic location: 16p13.11.
Variant type: single nucleotide variant.
Coding change: c.5336C>G on transcript NM_002474.3 (MANE Select); coding-DNA position 5336, C replaced by G.
Protein change: p.Thr1779Arg; replaces threonine 1779 with arginine.
Molecular consequence: missense variant. On other transcripts: intron variant (2).
Genome position (GRCh38, 1-based): chr16:15,717,308, G>C on the plus strand (C>G on the coding strand, the complement: MYH11 is on the minus strand). VCF-style: chr16-15717308-G-C. GRCh37 (hg19) VCF-style: chr16-15811165-G-C.
Other names: c.5357C>G, p.Thr1786Arg (NM_001040113.2, NM_001040114.2); c.5336C>G, p.Thr1779Arg (NM_022844.3); c.948-6883G>C (NM_001143979.2, NM_017668.3); short protein forms T1779R, T1786R.
Identifiers: ClinVar variation 1675103 (VCV001675103.6), dbSNP rs201960644, ClinGen allele CA394849221.

ClinVar aggregate classification (germline): Conflicting classifications of pathogenicity. Review status: criteria provided, conflicting classifications (1 of 4 stars). 4 submissions from 3 submitters: Uncertain significance (3); Likely benign (1). Last evaluated 2025-07-04.

Conditions:
Visceral myopathy 2. Identifiers: MedGen C5543466, MONDO:0859157, OMIM 619350.
Megacystis-microcolon-intestinal hypoperistalsis syndrome 2. Identifiers: MedGen C5543476, MONDO:0025708, OMIM 619351.
Aortic aneurysm, familial thoracic 4 (AAT4). Also called: AORTIC ANEURYSM/AORTIC DISSECTION AND PATENT DUCTUS ARTERIOSUS. Identifiers: MedGen C1851504, MONDO:0007568, OMIM 132900.
Familial thoracic aortic aneurysm and aortic dissection (TAAD). Also called: Thoracic aortic aneurysms and dissections. Identifiers: Orphanet 91387, MedGen C4707243, MONDO:0019625.

gnomAD v4.1: 10 of 1,611,998 alleles (0.00062%); highest among the groups gnomAD compares: East Asian, 0.0022%; no homozygotes.

Submissions (4):

Labcorp Genetics (formerly Invitae), Labcorp
Classification: Uncertain significance for Aortic aneurysm, familial thoracic 4. Last evaluated: 2025-07-04. Review status: criteria provided, single submitter. Criteria: Invitae Variant Classification Sherloc (09022015). Collection method: clinical testing. Allele origin: germline.
Comment: This sequence change replaces threonine, which is neutral and polar, with arginine, which is basic and polar, at codon 1786 of the MYH11 protein (p.Thr1786Arg). This variant is present in population databases (no rsID available, gnomAD 0.006%). This variant has not been reported in the literature in individuals affected with MYH11-related conditions. ClinVar contains an entry for this variant (Variation ID: 1675103). Invitae Evidence Modeling of protein sequence and biophysical properties (such as structural, functional, and spatial information, amino acid conservation, physicochemical variation, residue mobility, and thermodynamic stability) indicates that this missense variant is not expected to disrupt MYH11 protein function with a negative predictive value of 95%. In summary, the available evidence is currently insufficient to determine the role of this variant in disease. Therefore, it has been classified as a Variant of Uncertain Significance.

Color Diagnostics, LLC DBA Color Health
Classification: Likely benign for Familial thoracic aortic aneurysm and aortic dissection. Last evaluated: 2025-04-06. Review status: criteria provided, single submitter. Criteria: ACMG Guidelines, 2015. Collection method: clinical testing. Allele origin: germline.

Center for Genomics, Ann and Robert H. Lurie Children's Hospital of Chicago
Classification: Uncertain significance for Aortic aneurysm, familial thoracic 4. Last evaluated: 2022-02-22. Review status: criteria provided, single submitter. Criteria: ACMG Guidelines, 2015. Collection method: clinical testing. Allele origin: germline.
Comment: MYH11 NM_002474.3 exon 38 p.Thr1779Arg (c.5336C>G): This variant has not been reported in the literature but is present in 0.005% (1/18382) of East Asian alleles in the Genome Aggregation Database. Evolutionary conservation and computational predictive tools suggest that this variant may not impact the protein. In summary, data on this variant is insufficient for disease classification. Therefore, the clinical significance of this variant is uncertain.

Center for Genomics, Ann and Robert H. Lurie Children's Hospital of Chicago
Classification: Uncertain significance for Megacystis-microcolon-intestinal hypoperistalsis syndrome 2; Aortic aneurysm, familial thoracic 4; Visceral myopathy 2. Review status: criteria provided, single submitter. Criteria: ACMG Guidelines, 2015. Collection method: clinical testing. Allele origin: germline.
Comment: This variant has not been reported in the literature but is present in 0.005% (1/18382) of East Asian alleles in the Genome Aggregation Database. Evolutionary conservation and computational predictive tools suggest that this variant may not impact the protein. In summary, data on this variant is insufficient for disease classification. Therefore, the clinical significance of this variant is uncertain.